The following is an entry in ClinVar:

NM_001378615.1(CC2D2A):c.676GAA[3] (p.Glu229del)

Genes: CC2D2A (coiled-coil and C2 domain containing 2A; plus strand), FBXL5 (F-box and leucine rich repeat protein 5; minus strand). Cytogenetic location: 4p15.32.
Variant type: Microsatellite.
Coding change: c.676GAA[3] on transcript NM_001378615.1 (MANE Select); three copies in a row of the 3-base unit GAA starting at c.676; the reference has four copies in a row; one copy, 3 bases deleted.
Protein change: p.Glu229del; deletes glutamic acid 229.
Molecular consequence: inframe deletion.
Genome position (GRCh38, 1-based): chr4:15,511,391-15,511,393, GAA deleted; deleting any 3 consecutive bases within chr4:15,511,382-15,511,393 gives the same sequence; the position shown is the placement nearest the transcript's 3' end. VCF-style (leftmost placement, unchanged base first): chr4-15511381-GGAA-G. GRCh37 (hg19) VCF-style: chr4-15513004-GGAA-G.
Other names: p.Glu229del; c.685_687delGAA (NM_001080522.2); c.676_678del (NM_001080522.2); c.676GAA[3], p.Glu229del (NM_001080522.2); c.529GAA[3], p.Glu180del (NM_001378617.1); c.685_687del (NM_001080522.2); short protein forms E229del, E180del.
Identifiers: ClinVar variation 56316 (VCV000056316.35), dbSNP rs386833764, ClinGen allele CA144242.

ClinVar aggregate classification (germline): Benign/Likely benign. Review status: criteria provided, multiple submitters, no conflicts (2 of 4 stars). 14 submissions from 14 submitters: Benign (7); Likely benign (2). 5 of the submissions do not count toward it. Last evaluated 2026-06-28.

Conditions:
Meckel-Gruber syndrome. Also called: Dysencephalia splachnocystica; DYSENCEPHALIA SPLANCHNOCYSTICA; GRUBER SYNDROME. Identifiers: Orphanet 564, MedGen C0265215, MONDO:0018921.
Joubert syndrome. Also called: Familial aplasia of the vermis; JOUBERT-BOLTSHAUSER SYNDROME. Identifiers: Orphanet 475, MedGen C5979921, MONDO:0018772.
Joubert syndrome 1 (JBTS1). Also called: Cerebellooculorenal syndrome 1; CEREBELLOPARENCHYMAL DISORDER IV. Identifiers: MedGen C4551568, MONDO:0008944, OMIM 213300.
Meckel syndrome, type 6. Identifiers: Orphanet 564, MedGen C2676790, MONDO:0012848, OMIM 612284.
COACH syndrome 1. Identifiers: Orphanet 1454, MedGen C5435651, MONDO:0800103, OMIM 216360, MONDO:0008996.

Submissions (14):

Women's Health and Genetics/Laboratory Corporation of America, LabCorp
Classification: Likely benign. Last evaluated: 2026-06-28. Review status: criteria provided, single submitter. Criteria: LabCorp Variant Classification Summary - May 2015. Collection method: clinical testing. Allele origin: germline.

Labcorp Genetics (formerly Invitae), Labcorp
Classification: Benign for Joubert syndrome; Meckel-Gruber syndrome. Last evaluated: 2026-02-04. Review status: criteria provided, single submitter. Criteria: Invitae Variant Classification Sherloc (09022015). Collection method: clinical testing. Allele origin: germline.

Blueprint Genetics
Classification: Benign. Last evaluated: 2024-11-26. Review status: criteria provided, single submitter. Criteria: ACMG Guidelines, 2015. Collection method: clinical testing. Allele origin: germline.

Mayo Clinic Laboratories, Mayo Clinic
Classification: Benign. Last evaluated: 2024-11-08. Review status: criteria provided, single submitter. Criteria: ACMG Guidelines, 2015. Collection method: clinical testing. Allele origin: germline. Observed: 178 variant alleles.

Molecular Genetics, Royal Melbourne Hospital
Classification: Benign for COACH syndrome 1. Last evaluated: 2020-11-20. Review status: criteria provided, single submitter. Criteria: ACMG Guidelines, 2015. Collection method: clinical testing. Allele origin: germline. Affected: no.
Comment: Population allele frequency is 6.2% (rs1159391633, 13,991/225,480 alleles, 528 homozygotes in gnomAD v2.1). Based on the classification scheme RMH ACMG Guidelines v1.1.1, this variant is classified as Benign. Following criteria met: BA1

Mendelics
Classification: Likely benign for Joubert syndrome 1. Last evaluated: 2019-05-28. Review status: criteria provided, single submitter. Criteria: Mendelics Assertion Criteria 2017. Collection method: clinical testing. Allele origin: unknown.

GeneDx
Classification: Benign. Last evaluated: 2015-03-03. Review status: criteria provided, single submitter. Criteria: GeneDx Variant Classification Process June 2021. Collection method: clinical testing. Allele origin: germline. Affected: yes.
Comment: This variant is associated with the following publications: (PMID: 27884173, 21068128, 21866095, 22241855)

Eurofins Ntd Llc (ga)
Classification: Benign. Last evaluated: 2013-04-26. Review status: criteria provided, single submitter. Criteria: EGL Classification Definitions 2015. Collection method: clinical testing. Allele origin: germline. Observed: 6 variant alleles, 6 heterozygotes.

PreventionGenetics, part of Exact Sciences
Classification: Benign. Review status: criteria provided, single submitter. Criteria: ACMG Guidelines, 2015. Collection method: clinical testing. Allele origin: germline.

Clinical Genetics DNA and cytogenetics Diagnostics Lab, Erasmus MC, Erasmus Medical Center
Classification: Benign. Review status: no assertion criteria provided. Collection method: clinical testing. Allele origin: germline. Affected: yes. Study: VKGL Data-share Consensus. Not counted in ClinVar's aggregate classification.

Clinical Genetics, Academic Medical Center
Classification: Benign. Review status: no assertion criteria provided. Collection method: clinical testing. Allele origin: germline. Affected: yes. Study: VKGL Data-share Consensus. Not counted in ClinVar's aggregate classification.

Diagnostic Laboratory, Department of Genetics, University Medical Center Groningen
Classification: Benign. Review status: no assertion criteria provided. Collection method: clinical testing. Allele origin: germline. Affected: yes. Study: VKGL Data-share Consensus. Not counted in ClinVar's aggregate classification.

Genome Diagnostics Laboratory, University Medical Center Utrecht
Classification: Likely benign. Review status: no assertion criteria provided. Collection method: clinical testing. Allele origin: germline. Affected: yes. Study: VKGL Data-share Consensus. Not counted in ClinVar's aggregate classification.

Juha Muilu Group; Institute for Molecular Medicine Finland (FIMM)
Classification: Likely pathogenic for Meckel syndrome, type 6. Review status: no assertion criteria provided. Collection method: not provided. Allele origin: unknown. Not counted in ClinVar's aggregate classification.
Comment: FinDis database variant: This variant was not found or characterized by our laboratory, data were collected from public sources: see reference
ClinVar note: Converted during submission from probable-pathogenic to Likely pathogenic.